The following is an entry in ClinVar:

ClinVar aggregate classification (germline): Conflicting classifications of pathogenicity. Review status: criteria provided, conflicting classifications (1 of 4 stars). 12 submissions from 9 submitters: Uncertain significance (5); Benign (2); Likely benign (4). 1 of the submissions does not count toward it. Last evaluated 2026-01-28.

Conditions:
Hereditary hyperinsulinism.
Transitory neonatal diabetes mellitus. Also called: Transient neonatal diabetes mellitus. Identifiers: MedGen C0342273, MONDO:0020525, HP:0008255.
Inborn genetic diseases. Identifiers: MedGen C0950123, MeSH D030342.
Maturity-onset diabetes of the young (MODY). Also called: Maturity onset diabetes mellitus in young. Identifiers: Orphanet 552, MedGen C0342276, MONDO:0018911, HP:0004904.
Permanent neonatal diabetes mellitus (PNDM). Identifiers: Orphanet 99885, MedGen C1833104, MONDO:0100164, MONDO:0011643. Disease mechanism: gain of function.
Hyperinsulinemic hypoglycemia, familial, 1 (HHF1). Also called: NESIDIOBLASTOSIS OF PANCREAS; Persistent Hyperinsulinemia Hypoglycemia of Infancy; Persistent hyperinsulinemic hypoglycemia of infancy; HYPERINSULINISM, FAMILIAL, WITH PANCREATIC NESIDIOBLASTOSIS; HYPOGLYCEMIA, HYPERINSULINEMIC, OF INFANCY. Identifiers: Orphanet 276575, Orphanet 276598, MedGen C2931832, MONDO:0009734, OMIM 256450.
Diabetes mellitus, transient neonatal, 2 (TNDM2). Identifiers: Orphanet 99886, MedGen C1835887, MONDO:0012480, OMIM 610374. Disease mechanism: loss of function.

Allele frequency attached by ClinVar (database versions not stated): gnomAD exomes 0.00025 and 0.00062; ExAC 0.00076; 1000 Genomes Project 0.00080; 1000 Genomes Project 30x 0.00094; gnomAD 0.00107 and 0.00116; ESP Exome Variant Server 0.00131; TOPMed 0.00131.
gnomAD v4.1: 560 of 1,614,122 alleles (0.035%); highest among the groups gnomAD compares: African/African-American, 0.34%; 2 homozygotes.

Submissions (12):

Labcorp Genetics (formerly Invitae), Labcorp
Classification: Benign. Last evaluated: 2026-01-28. Review status: criteria provided, single submitter. Criteria: Invitae Variant Classification Sherloc (09022015). Collection method: clinical testing. Allele origin: germline.

Blueprint Genetics
Classification: Likely benign. Last evaluated: 2024-09-05. Review status: criteria provided, single submitter. Criteria: ACMG Guidelines, 2015. Collection method: clinical testing. Allele origin: germline.

Ambry Genetics
Classification: Likely benign for Inborn genetic diseases. Last evaluated: 2022-12-04. Review status: criteria provided, single submitter. Criteria: Ambry Variant Classification Scheme 2023. Collection method: clinical testing. Allele origin: germline.

ARUP Laboratories, Molecular Genetics and Genomics, ARUP Laboratories
Classification: Likely benign. Last evaluated: 2022-03-23. Review status: criteria provided, single submitter. Criteria: ARUP Molecular Germline Variant Investigation Process 2021. Collection method: clinical testing. Allele origin: germline.

GeneDx
Classification: Likely benign. Last evaluated: 2020-04-01. Review status: criteria provided, single submitter. Criteria: GeneDx Variant Classification Process June 2021. Collection method: clinical testing. Allele origin: germline. Affected: yes.

Illumina Laboratory Services, Illumina
Classification: Benign for Diabetes mellitus, transient neonatal, 2. Last evaluated: 2018-01-13. Review status: criteria provided, single submitter. Criteria: ICSL Variant Classification Criteria 13 December 2019. Collection method: clinical testing. Allele origin: germline.
Comment: This variant was observed in the ICSL laboratory as part of a predisposition screen in an ostensibly healthy population. It had not been previously curated by ICSL or reported in the Human Gene Mutation Database (HGMD: prior to June 1st, 2018), and was therefore a candidate for classification through an automated scoring system. Utilizing variant allele frequency, disease prevalence and penetrance estimates, and inheritance mode, an automated score was calculated to assess if this variant is too frequent to cause the disease. Based on the score and internal cut-off values, a variant classified as benign is not then subjected to further curation. The score for this variant resulted in a classification of benign for this disease.

Illumina Laboratory Services, Illumina
Classification: Uncertain significance for Permanent neonatal diabetes mellitus 1. Last evaluated: 2018-01-13. Review status: criteria provided, single submitter. Criteria: ICSL Variant Classification Criteria 13 December 2019. Collection method: clinical testing. Allele origin: germline.

Illumina Laboratory Services, Illumina
Classification: Uncertain significance for Hyperinsulinemic hypoglycemia, familial, 1. Last evaluated: 2018-01-13. Review status: criteria provided, single submitter. Criteria: ICSL Variant Classification Criteria 13 December 2019. Collection method: clinical testing. Allele origin: germline.

Eurofins Ntd Llc (ga)
Classification: Uncertain significance. Last evaluated: 2014-12-23. Review status: criteria provided, single submitter. Criteria: EGL Classification Definitions 2015. Collection method: clinical testing. Allele origin: germline. Observed: 1 variant allele, 1 heterozygote.

Clinical Genomics, Uppaluri K&H Personalized Medicine Clinic
Classification: Uncertain significance for Maturity-onset diabetes of the young. Review status: criteria provided, single submitter. Criteria: K & H Uppaluri Personalized Medicine Clinic Variant Classification & Assertion Criteria_Updated V.1. Collection method: research. Allele origin: unknown. Inheritance: Somatic mutation.
Comment: Mutations in ABCC8 gene are associated with both neonatal diabetes mellitus as well as MODY. Patients with this mutation may have a better response to sulfonylureas. However, no sufficient evidence is found to ascertain the role of this particular variant ( rs111967655) in MODY yet.

Clinical Genomics, Uppaluri K&H Personalized Medicine Clinic
Classification: Uncertain significance for Transitory neonatal diabetes mellitus. Review status: criteria provided, single submitter. Criteria: K & H Uppaluri Personalized Medicine Clinic Variant Classification & Assertion Criteria_Updated V.1. Collection method: research. Allele origin: unknown. Inheritance: Somatic mutation.
Comment: Mutations in ABCC8 gene are associated with both neonatal diabetes mellitus as well as MODY. Patients with this mutation may have a better response to sulfonylureas. However, no sufficient evidence is found to ascertain the role of this particular variant ( rs111967655) in neonatal diabetes yet.

Natera, Inc.
Classification: Uncertain significance for Hereditary hyperinsulinism. Last evaluated: 2020-04-10. Review status: no assertion criteria provided. Collection method: clinical testing. Allele origin: germline. Not counted in ClinVar's aggregate classification.

Literature cited by the submitters: PubMed 16885549 (cited by Clinical Genomics, Uppaluri K&H Personalized Medicine Clinic); PubMed 21989597 (cited by Clinical Genomics, Uppaluri K&H Personalized Medicine Clinic); PubMed 27538677 (cited by Clinical Genomics, Uppaluri K&H Personalized Medicine Clinic); PubMed 18981553 (cited by Clinical Genomics, Uppaluri K&H Personalized Medicine Clinic); PubMed 32027066 (cited by Clinical Genomics, Uppaluri K&H Personalized Medicine Clinic); PubMed 16613899 (cited by Clinical Genomics, Uppaluri K&H Personalized Medicine Clinic); PubMed 18025408 (cited by Clinical Genomics, Uppaluri K&H Personalized Medicine Clinic); PubMed 32792356 (cited by Clinical Genomics, Uppaluri K&H Personalized Medicine Clinic).

NM_000352.6(ABCC8):c.2610C>T (p.Ala870=)

Gene: ABCC8 (ATP binding cassette subfamily C member 8; minus strand). Cytogenetic location: 11p15.1.
Variant type: single nucleotide variant.
Coding change: c.2610C>T on transcript NM_000352.6 (MANE Select); coding-DNA position 2610, C replaced by T.
Protein change: p.Ala870=; no amino-acid change (alanine 870 retained).
Molecular consequence: synonymous variant. On other transcripts: non-coding transcript variant (1).
Genome position (GRCh38, 1-based): chr11:17,410,600, G>A on the plus strand (C>T on the coding strand, the complement: ABCC8 is on the minus strand). VCF-style: chr11-17410600-G-A. GRCh37 (hg19) VCF-style: chr11-17432147-G-A.
Other names: c.2613C>T, p.Ala871= (NM_001287174.3); c.2676C>T, p.Ala892= (NM_001351295.2); c.2610C>T, p.Ala870= (NM_001351296.2); c.2607C>T, p.Ala869= (NM_001351297.2).
Identifiers: ClinVar variation 195647 (VCV000195647.28), dbSNP rs111967655, ClinGen allele CA242142.
Genomic context (GRCh38, chr11:17,410,600, plus strand): 5'-TAGCTTGTGGGTCACTAAGACCACTGTCCTCTTGTCGTCCCGGAGCAGCTCAAGGATGCC[G>A]GCCTGCATTAAGTGGTCACTCAGATGGATATCCAGAGCTGAGAAGGGGTCATCCTGGGCA-3'
Protein context (NP_000343.2, residues 860-880): DIHLSDHLMQ[Ala870=]GILELLRDDK